The following is an entry in ClinVar:

ClinVar aggregate classification (germline): Uncertain significance (1 of 4 stars; one submission).

Submission:

Ambry Genetics
Classification: Uncertain significance. Last evaluated: 2022-11-17. Review status: criteria provided, single submitter. Criteria: Ambry Variant Classification Scheme 2023. Collection method: clinical testing. Allele origin: germline.
Comment: The p.M13I variant (also known as c.39G>A), located in coding exon 1 of the IDH1 gene, results from a G to A substitution at nucleotide position 39. The methionine at codon 13 is replaced by isoleucine, an amino acid with highly similar properties. This amino acid position is conserved. In addition, the in silico prediction for this alteration is inconclusive. Since supporting evidence is limited at this time, the clinical significance of this alteration remains unclear.

NM_005896.4(IDH1):c.39G>A (p.Met13Ile)

Gene: IDH1 (isocitrate dehydrogenase (NADP(+)) 1; minus strand). Cytogenetic location: 2q34.
Variant type: single nucleotide variant.
Coding change: c.39G>A on transcript NM_005896.4 (MANE Select); coding-DNA position 39, G replaced by A.
Protein change: p.Met13Ile; replaces methionine 13 with isoleucine.
Molecular consequence: missense variant.
Genome position (GRCh38, 1-based): chr2:208,251,513, C>T on the plus strand (G>A on the coding strand, the complement: IDH1 is on the minus strand). VCF-style: chr2-208251513-C-T. GRCh37 (hg19) VCF-style: chr2-209116237-C-T.
Other names: c.39G>A, p.Met13Ile (NM_001282386.1, NM_001282387.1); short protein forms M13I.
Identifiers: ClinVar variation 2447299 (VCV002447299.2), dbSNP rs946096480, ClinGen allele CA350103168.